The following is an entry in ClinVar:

ClinVar aggregate classification (germline): Pathogenic (1 of 4 stars; one submission).

Allele frequency attached by ClinVar (database versions not stated): gnomAD exomes 0.00001; ExAC 0.00002.

Submission:

Labcorp Genetics (formerly Invitae), Labcorp
Classification: Pathogenic. Last evaluated: 2026-01-24. Review status: criteria provided, single submitter. Criteria: Invitae Variant Classification Sherloc (09022015). Collection method: clinical testing. Allele origin: germline.
Comment: This sequence change creates a premature translational stop signal (p.Glu433*) in the ERCC6 gene. It is expected to result in an absent or disrupted protein product. Loss-of-function variants in ERCC6 are known to be pathogenic (PMID: 18628313, 29572252). This variant is present in population databases (rs781332656, gnomAD 0.01%). This variant has not been reported in the literature in individuals affected with ERCC6-related conditions. ClinVar contains an entry for this variant (Variation ID: 658237). Algorithms developed to predict the effect of sequence changes on RNA splicing suggest that this variant may disrupt the consensus splice site. For these reasons, this variant has been classified as Pathogenic.

Literature cited by the submitters: PubMed 18628313; PubMed 29572252.

NM_000124.4(ERCC6):c.1297G>T (p.Glu433Ter)

Genes: ERCC6 (ERCC excision repair 6, chromatin remodeling factor; minus strand), PGBD3 (piggyBac transposable element derived 3; minus strand). Cytogenetic location: 10q11.23.
Variant type: single nucleotide variant.
Coding change: c.1297G>T on transcript NM_000124.4 (MANE Select); coding-DNA position 1297, G replaced by T.
Protein change: p.Glu433Ter; replaces glutamic acid 433 with a stop codon.
Molecular consequence: nonsense. On other transcripts: 5 prime UTR variant (1).
Genome position (GRCh38, 1-based): chr10:49,524,133, C>A on the plus strand (G>T on the coding strand, the complement: ERCC6 is on the minus strand). VCF-style: chr10-49524133-C-A. GRCh37 (hg19) VCF-style: chr10-50732179-C-A.
Other names: c.1297G>T, p.Glu433Ter (NM_001277058.2, NM_001277059.2, NM_001346440.2); c.-108G>T (NM_170753.3); short protein forms E433*.
Identifiers: ClinVar variation 658237 (VCV000658237.8), dbSNP rs781332656, ClinGen allele CA5496353.